The following is an entry in ClinVar:

NM_007363.5(NONO):c.64C>T (p.His22Tyr)

Gene: NONO (non-POU domain containing octamer binding; plus strand). Cytogenetic location: Xq13.1.
Variant type: single nucleotide variant.
Coding change: c.64C>T on transcript NM_007363.5 (MANE Select); coding-DNA position 64, C replaced by T.
Protein change: p.His22Tyr; replaces histidine 22 with tyrosine.
Molecular consequence: missense variant. On other transcripts: intron variant (1).
Genome position (GRCh38, 1-based): chrX:71,290,701, C>T. VCF-style: chrX-71290701-C-T. GRCh37 (hg19) VCF-style: chrX-70510551-C-T.
Other names: c.64C>T, p.His22Tyr (NM_001145408.2, NM_001145409.2); c.-113-1078C>T (NM_001145410.2); short protein forms H22Y.
Identifiers: ClinVar variation 1307202 (VCV001307202.2), dbSNP rs2148032258, ClinGen allele CA413538268.

ClinVar aggregate classification (germline): Uncertain significance (1 of 4 stars; one submission).

Submission:

GeneDx
Classification: Uncertain significance. Last evaluated: 2019-07-24. Review status: criteria provided, single submitter. Criteria: GeneDx Variant Classification Process June 2021. Collection method: clinical testing. Allele origin: germline. Affected: yes.
Comment: Not observed in large population cohorts (Lek et al., 2016); In silico analysis, which includes protein predictors and evolutionary conservation, supports a deleterious effect; Has not been previously published as pathogenic or benign to our knowledge